The following is an entry in ClinVar:

NM_001306137.2(TDRD15):c.4176C>T (p.Tyr1392=)

Gene: TDRD15 (tudor domain containing 15; plus strand). Cytogenetic location: 2p24.1.
Variant type: single nucleotide variant.
Coding change: c.4176C>T on transcript NM_001306137.2 (MANE Select); coding-DNA position 4176, C replaced by T.
Protein change: p.Tyr1392=; no amino-acid change (tyrosine 1392 retained).
Molecular consequence: synonymous variant.
Genome position (GRCh38, 1-based): chr2:21,141,643, C>T. VCF-style: chr2-21141643-C-T. GRCh37 (hg19) VCF-style: chr2-21364515-C-T.
Identifiers: ClinVar variation 4821514 (VCV004821514.4).

ClinVar aggregate classification (germline): Likely benign (1 of 4 stars; one submission).

gnomAD v4.1: 23 of 713,918 alleles (0.0032%); highest among the groups gnomAD compares: Middle Eastern, 0.046%; no homozygotes.

Submission:

CeGaT Center for Human Genetics Tuebingen
Classification: Likely benign. Last evaluated: 2026-03-01. Review status: criteria provided, single submitter. Criteria: CeGaT Center For Human Genetics Tuebingen Variant Classification Criteria Version 2. Collection method: clinical testing. Allele origin: germline. Affected: yes. Observed: 1 variant allele.
Comment: TDRD15: BP4, BP7